The following is an entry in ClinVar:

ClinVar aggregate classification (germline): Uncertain significance. Review status: criteria provided, multiple submitters, no conflicts (2 of 4 stars). 3 submissions from 3 submitters: Uncertain significance (2). 1 of the submissions does not count toward it. Last evaluated 2025-10-18.

Conditions:
Cardiovascular phenotype. Identifiers: MedGen CN230736.
Dilated cardiomyopathy 1JJ (CMD1JJ). Identifiers: Orphanet 154, MedGen C3808935, MONDO:0014095, OMIM 615235.

Allele frequency attached by ClinVar (database versions not stated): gnomAD exomes below 0.00001; TOPMed 0.00001.
gnomAD v4.1: 1 of 1,612,684 alleles (0.000062%); highest among the groups gnomAD compares: Non-Finnish European, 0.000085%; no homozygotes.

Submissions (3):

Ambry Genetics
Classification: Uncertain significance for Cardiovascular phenotype. Last evaluated: 2025-10-18. Review status: criteria provided, single submitter. Criteria: Ambry Variant Classification Scheme 2023. Collection method: clinical testing. Allele origin: germline.

GeneDx
Classification: Uncertain significance. Last evaluated: 2019-06-19. Review status: criteria provided, single submitter. Criteria: GeneDx Variant Classification Process June 2021. Collection method: clinical testing. Allele origin: germline. Affected: yes.
Comment: Has not been previously published as pathogenic or benign to our knowledge; Not observed in large population cohorts (Lek et al., 2016); In silico analysis, which includes protein predictors and evolutionary conservation, supports that this variant does not alter protein structure/function

Institute of Human Genetics, University of Wuerzburg
Classification: Uncertain significance for Dilated cardiomyopathy 1JJ. Review status: no assertion criteria provided. Collection method: clinical testing. Allele origin: unknown. Affected: yes. Observed: 1 variant allele. Not counted in ClinVar's aggregate classification.

NM_001105206.3(LAMA4):c.3343T>C (p.Phe1115Leu)

Gene: LAMA4 (laminin subunit alpha 4; minus strand). Cytogenetic location: 6q21.
Variant type: single nucleotide variant.
Coding change: c.3343T>C on transcript NM_001105206.3 (MANE Select); coding-DNA position 3343, T replaced by C.
Protein change: p.Phe1115Leu; replaces phenylalanine 1115 with leucine.
Molecular consequence: missense variant.
Genome position (GRCh38, 1-based): chr6:112,136,194, A>G on the plus strand (T>C on the coding strand, the complement: LAMA4 is on the minus strand). VCF-style: chr6-112136194-A-G. GRCh37 (hg19) VCF-style: chr6-112457396-A-G.
Other names: c.3322T>C, p.Phe1108Leu (NM_001105207.3, NM_002290.5); short protein forms F1108L, F1115L.
Identifiers: ClinVar variation 1306541 (VCV001306541.4), dbSNP rs1459931996, ClinGen allele CA365377557.
Genomic context (GRCh38, chr6:112,136,194, plus strand): 5'-TTGCATCATTAATTTGAGCTTTCTTTAACGTATCTTCAAGATGCACAGGGCCACCGCTGA[A>G]TCCAAAATCATAGAACACATGTAGGTAACCATTGCGCATTTCCAGTCTGAAAAACATACT-3'
Protein context (NP_001098676.2, residues 1105-1125): GYLHVFYDFG[Phe1115Leu]SGGPVHLEDT